The following is an entry in ClinVar:

NM_000138.5(FBN1):c.3570C>A (p.Pro1190=)

Gene: FBN1 (fibrillin 1; minus strand). Cytogenetic location: 15q21.1.
Variant type: single nucleotide variant.
Coding change: c.3570C>A on transcript NM_000138.5 (MANE Select); coding-DNA position 3570, C replaced by A.
Protein change: p.Pro1190=; no amino-acid change (proline 1190 retained).
Molecular consequence: synonymous variant.
Genome position (GRCh38, 1-based): chr15:48,487,094, G>T on the plus strand (C>A on the coding strand, the complement: FBN1 is on the minus strand). VCF-style: chr15-48487094-G-T. GRCh37 (hg19) VCF-style: chr15-48779291-G-T.
Other names: c.3570C>A, p.Pro1190= (NM_001406716.1).
Identifiers: ClinVar variation 3070135 (VCV003070135.9), dbSNP rs188317014, ClinGen allele CA490017868.

ClinVar aggregate classification (germline): Conflicting classifications of pathogenicity. Review status: criteria provided, conflicting classifications (1 of 4 stars). 2 submissions from 2 submitters: Uncertain significance (1); Likely benign (1). Last evaluated 2025-06-01.

Conditions:
Marfan syndrome (MFS). Also called: MARFAN SYNDROME, TYPE I; Marfan syndrome type 1; Marfan's syndrome; FBN1-Related Marfan Syndrome; Marfan syndrome, classic. Identifiers: Orphanet 284963, Orphanet 558, MedGen C0024796, MONDO:0007947, OMIM 154700.

Submissions (2):

CeGaT Center for Human Genetics Tuebingen
Classification: Likely benign. Last evaluated: 2025-06-01. Review status: criteria provided, single submitter. Criteria: CeGaT Center For Human Genetics Tuebingen Variant Classification Criteria Version 2. Collection method: clinical testing. Allele origin: germline. Affected: yes. Observed: 1 variant allele.
Comment: FBN1: PM2:Supporting, BP4, BP7

All of Us Research Program, National Institutes of Health
Classification: Uncertain significance for Marfan syndrome. Last evaluated: 2023-09-17. Review status: criteria provided, single submitter. Criteria: ACMG Guidelines, 2015. Collection method: clinical testing. Allele origin: germline. Inheritance: Autosomal dominant inheritance. Observed: 2 variant alleles, 2 heterozygotes.
Comment: This variant is located in the FBN1 protein. To our knowledge, functional studies have not been reported for this variant. This variant has not been reported in individuals affected with FBN1-related disorders in the literature. This variant has not been identified in the general population by the Genome Aggregation Database (gnomAD). The available evidence is insufficient to determine the role of this variant in disease conclusively. Therefore, this variant is classified as a Variant of Uncertain Significance.

This study involves interpretation of variants in research participants for the purpose of population health screening. Participant phenotype was not available at the time of variant classification. Additional details can be found in publication PMID: 35346344, PMCID: PMC8962531